The following is an entry in ClinVar:

NM_001379110.1(SLC9A6):c.1313G>T (p.Arg438Leu)

Gene: SLC9A6 (solute carrier family 9 member A6; plus strand). Cytogenetic location: Xq26.3.
Variant type: single nucleotide variant.
Coding change: c.1313G>T on transcript NM_001379110.1 (MANE Select); coding-DNA position 1313, G replaced by T.
Protein change: p.Arg438Leu; replaces arginine 438 with leucine.
Molecular consequence: missense variant.
Genome position (GRCh38, 1-based): chrX:136,024,336, G>T. VCF-style: chrX-136024336-G-T. GRCh37 (hg19) VCF-style: chrX-135106495-G-T.
Other names: c.1469G>T, p.Arg490Leu (NM_001042537.2); c.1313G>T, p.Arg438Leu (NM_001177651.2, NM_001400909.1, NM_001400910.1 and 2 more transcripts); c.1217G>T, p.Arg406Leu (NM_001330652.2, NM_001400913.1); c.1373G>T, p.Arg458Leu (NM_006359.3); short protein forms R406L, R438L, R458L, R490L.
Identifiers: ClinVar variation 3377350 (VCV003377350.1).

ClinVar aggregate classification (germline): Uncertain significance (1 of 4 stars; one submission).

Conditions:
Christianson syndrome (MRXSCH). Also called: INTELLECTUAL DEVELOPMENTAL DISORDER, X-LINKED, SYNDROMIC, CHRISTIANSON TYPE; SLC9A6-Related Syndromic Mental Retardation; X-linked mental retardation, syndromic, Christianson type. Identifiers: Orphanet 85278, MedGen C2678194, MONDO:0010278, OMIM 300243.

Submission:

Victorian Clinical Genetics Services, Murdoch Childrens Research Institute
Classification: Uncertain significance for Christianson syndrome. Last evaluated: 2024-10-09. Review status: criteria provided, single submitter. Criteria: ACMG Guidelines, 2015. Collection method: clinical testing. Allele origin: germline. Inheritance: X-linked inheritance. Affected: yes.
Comment: Based on the classification scheme VCGS_Germline_v1.3.4, this variant is classified as VUS-3B. Following criteria are met: 0102 - Loss of function is a known mechanism of disease in this gene and is associated with intellectual developmental disorder, X-linked syndromic, Christianson type, (MIM#300243). Gain of function has also been suggested; however evidence demonstrating this is limited (PMID: 30296617) (I) 0109 - This gene is associated with X-linked disease. There have been reports of mildly affected heterozygous females (OMIM). (I) 0200 - Variant is predicted to result in a missense amino acid change from arginine to leucine. (I) 0253 - This variant is hemizygous. (I) 0301 - Variant is absent from gnomAD (v2, v3 and v4). (SP) 0309 - An alternative amino acid change at the same position has been observed in gnomAD (v2) (1 heterozygote, 0 homozygote, 0 hemizygotes). (I) 0501 - Missense variant consistently predicted to be damaging by multiple in silico tools or highly conserved with a major amino acid change. (SP) 0600 - Variant is located in the annotated sodium-hydrogen exchanger domain (DECIPHER). (I) 0710 - Another missense variant comparable to the one identified in this case has inconclusive previous evidence for pathogenicity. p.(Arg490His) has been reported twice as a VUS (ClinVar). (I) 0807 - This variant has no previous evidence of pathogenicity. (I) 0905 - No published segregation evidence has been identified for this variant. (I) 1007 - No published functional evidence has been identified for this variant. (I) Legend: (SP) - Supporting pathogenic, (I) - Information, (SB) - Supporting benign

Literature cited by the submitters: PubMed 30296617.